The following is an entry in ClinVar:

ClinVar aggregate classification (germline): Uncertain significance (1 of 4 stars; one submission).

Conditions:
Chédiak-Higashi syndrome (CHS). Also called: Chediak-Higashi Syndrome. Identifiers: Orphanet 167, MedGen C0007965, MONDO:0008963, OMIM 214500.

Allele frequency attached by ClinVar (database versions not stated): ExAC 0.00001.
gnomAD v4.1: 8 of 1,613,770 alleles (0.0005%); highest among the groups gnomAD compares: Middle Eastern, 0.017%; no homozygotes.

Submission:

Labcorp Genetics (formerly Invitae), Labcorp
Classification: Uncertain significance for Chédiak-Higashi syndrome. Last evaluated: 2025-07-28. Review status: criteria provided, single submitter. Criteria: Invitae Variant Classification Sherloc (09022015). Collection method: clinical testing. Allele origin: germline.
Comment: This sequence change replaces serine, which is neutral and polar, with arginine, which is basic and polar, at codon 1295 of the LYST protein (p.Ser1295Arg). This variant is present in population databases (rs750096921, gnomAD 0.006%). This variant has not been reported in the literature in individuals affected with LYST-related conditions. ClinVar contains an entry for this variant (Variation ID: 1429030). Invitae Evidence Modeling of protein sequence and biophysical properties (such as structural, functional, and spatial information, amino acid conservation, physicochemical variation, residue mobility, and thermodynamic stability) indicates that this missense variant is not expected to disrupt LYST protein function with a negative predictive value of 80%. In summary, the available evidence is currently insufficient to determine the role of this variant in disease. Therefore, it has been classified as a Variant of Uncertain Significance.

NM_000081.4(LYST):c.3885T>A (p.Ser1295Arg)

Gene: LYST (lysosomal trafficking regulator; minus strand). Cytogenetic location: 1q42.3.
Variant type: single nucleotide variant.
Coding change: c.3885T>A on transcript NM_000081.4 (MANE Select); coding-DNA position 3885, T replaced by A.
Protein change: p.Ser1295Arg; replaces serine 1295 with arginine.
Molecular consequence: missense variant.
Genome position (GRCh38, 1-based): chr1:235,800,925, A>T on the plus strand (T>A on the coding strand, the complement: LYST is on the minus strand). VCF-style: chr1-235800925-A-T. GRCh37 (hg19) VCF-style: chr1-235964225-A-T.
Other names: c.3885T>A, p.Ser1295Arg (NM_001301365.1); short protein forms S1295R.
Identifiers: ClinVar variation 1429030 (VCV001429030.6), dbSNP rs750096921, ClinGen allele CA1466976.